The following is an entry in ClinVar:

ClinVar aggregate classification (germline): Pathogenic (1 of 4 stars; one submission).

Submission:

GeneDx
Classification: Pathogenic. Last evaluated: 2024-09-10. Review status: criteria provided, single submitter. Criteria: GeneDx Variant Classification Process June 2021. Collection method: clinical testing. Allele origin: germline.
Comment: Alters the last nucleotide of the exon and is predicted to destroy the splice donor site and result in aberrant splicing, although in the absence of functional evidence the actual effect of this sequence change is unknown; Not observed at significant frequency in large population cohorts (gnomAD); Has not been previously published as pathogenic or benign to our knowledge

NM_001039591.3(USP9X):c.2636G>A (p.Arg879Lys)

Gene: USP9X (ubiquitin specific peptidase 9 X-linked; plus strand). Cytogenetic location: Xp11.4.
Variant type: single nucleotide variant.
Coding change: c.2636G>A on transcript NM_001039591.3 (MANE Select); coding-DNA position 2636, G replaced by A.
Protein change: p.Arg879Lys; replaces arginine 879 with lysine.
Molecular consequence: missense variant.
Genome position (GRCh38, 1-based): chrX:41,168,218, G>A. VCF-style: chrX-41168218-G-A. GRCh37 (hg19) VCF-style: chrX-41027471-G-A.
Other names: c.2636G>A, p.Arg879Lys (NM_001039590.3); c.2651G>A, p.Arg884Lys (NM_001410748.1, NM_001410749.1); short protein forms R879K, R884K.
Identifiers: ClinVar variation 2662428 (VCV002662428.2), dbSNP rs2519219222, ClinGen allele CA412757872.